The following is an entry in ClinVar:

NM_004770.3(KCNB2):c.400G>C (p.Glu134Gln)

Gene: KCNB2 (potassium voltage-gated channel subfamily B member 2; plus strand). Cytogenetic location: 8q21.11.
Variant type: single nucleotide variant.
Coding change: c.400G>C on transcript NM_004770.3 (MANE Select); coding-DNA position 400, G replaced by C.
Protein change: p.Glu134Gln; replaces glutamic acid 134 with glutamine.
Molecular consequence: missense variant.
Genome position (GRCh38, 1-based): chr8:72,568,134, G>C. VCF-style: chr8-72568134-G-C. GRCh37 (hg19) VCF-style: chr8-73480369-G-C.
Other names: short protein forms E134Q.
Identifiers: ClinVar variation 4975830 (VCV004975830.1).

ClinVar aggregate classification (germline): Uncertain significance (1 of 4 stars; one submission).

Submission:

GeneDx
Classification: Uncertain significance. Last evaluated: 2026-01-28. Review status: criteria provided, single submitter. Criteria: GeneDx Variant Classification Process June 2021. Collection method: clinical testing. Allele origin: germline.
Comment: Not observed at significant frequency in large population cohorts (gnomAD); In silico analysis supports that this missense variant has a deleterious effect on protein structure/function; Has not been previously published as pathogenic or benign to our knowledge